The following is an entry in ClinVar:

ClinVar aggregate classification (germline): Uncertain significance. Review status: criteria provided, multiple submitters, no conflicts (2 of 4 stars). 2 submissions from 2 submitters: Uncertain significance (2). Last evaluated 2023-12-27.

Conditions:
Short-rib thoracic dysplasia 18 with polydactyly. Identifiers: MedGen C4693420, MONDO:0036483, OMIM 617866.
Retinitis pigmentosa 81 (RP81). Identifiers: MedGen C4693443, MONDO:0036482, OMIM 617871.
Cranioectodermal dysplasia 3 (CED3). Identifiers: Orphanet 1515, MedGen C3279807, MONDO:0013573, OMIM 614099.

Submissions (2):

Fulgent Genetics
Classification: Uncertain significance for Cranioectodermal dysplasia 3; Short-rib thoracic dysplasia 18 with polydactyly; Retinitis pigmentosa 81. Last evaluated: 2023-12-27. Review status: criteria provided, single submitter. Criteria: ACMG Guidelines, 2015. Collection method: clinical testing. Allele origin: germline.

Labcorp Genetics (formerly Invitae), Labcorp
Classification: Uncertain significance. Last evaluated: 2021-07-28. Review status: criteria provided, single submitter. Criteria: Invitae Variant Classification Sherloc (09022015). Collection method: clinical testing. Allele origin: germline.
Comment: This variant, c.607_609del, results in the deletion of 1 amino acid(s) of the IFT43 protein (p.Lys203del), but otherwise preserves the integrity of the reading frame. This variant is present in population databases (rs753836897, ExAC 0.01%). This variant has not been reported in the literature in individuals affected with IFT43-related conditions. Experimental studies and prediction algorithms are not available or were not evaluated, and the functional significance of this variant is currently unknown. In summary, the available evidence is currently insufficient to determine the role of this variant in disease. Therefore, it has been classified as a Variant of Uncertain Significance.

NM_001102564.3(IFT43):c.592_594del (p.Lys198del)

Gene: IFT43 (intraflagellar transport 43; plus strand). Cytogenetic location: 14q24.3.
Variant type: Deletion.
Coding change: c.592_594del on transcript NM_001102564.3 (MANE Select); coding-DNA positions 592 to 594, 3 bases deleted (AAG; older notation c.592_594delAAG).
Protein change: p.Lys198del; deletes lysine 198.
Molecular consequence: inframe deletion. On other transcripts: non-coding transcript variant (2).
Genome position (GRCh38, 1-based): chr14:76,083,542-76,083,544, AAG deleted; deleting any 3 consecutive bases within chr14:76,083,540-76,083,544 gives the same sequence; the c. name uses the placement nearest the transcript's 3' end. VCF-style (leftmost placement, unchanged base first): chr14-76083539-GAGA-G. GRCh37 (hg19) VCF-style: chr14-76549882-GAGA-G.
Other names: c.607_609del, p.Lys203del (NM_052873.3); short protein forms K203del, K198del.
Identifiers: ClinVar variation 1370658 (VCV001370658.2), dbSNP rs753836897, ClinGen allele CA7280965.